The following is an entry in ClinVar:

ClinVar aggregate classification (germline): Uncertain significance (1 of 4 stars; one submission).

Allele frequency attached by ClinVar (database versions not stated): gnomAD exomes below 0.00001; ExAC 0.00001.
gnomAD v4.1: 1 of 1,613,344 alleles (0.000062%); highest among the groups gnomAD compares: African/African-American, 0.0013%; no homozygotes.

Submission:

Labcorp Genetics (formerly Invitae), Labcorp
Classification: Uncertain significance. Last evaluated: 2022-04-03. Review status: criteria provided, single submitter. Criteria: Invitae Variant Classification Sherloc (09022015). Collection method: clinical testing. Allele origin: germline.
Comment: In summary, the available evidence is currently insufficient to determine the role of this variant in disease. Therefore, it has been classified as a Variant of Uncertain Significance. Advanced modeling of protein sequence and biophysical properties (such as structural, functional, and spatial information, amino acid conservation, physicochemical variation, residue mobility, and thermodynamic stability) performed at Invitae indicates that this missense variant is expected to disrupt PNPT1 protein function. This variant has not been reported in the literature in individuals affected with PNPT1-related conditions. This variant is present in population databases (rs745631221, gnomAD 0.007%). This sequence change replaces proline, which is neutral and non-polar, with serine, which is neutral and polar, at codon 183 of the PNPT1 protein (p.Pro183Ser).

NM_033109.5(PNPT1):c.547C>T (p.Pro183Ser)

Gene: PNPT1 (polyribonucleotide nucleotidyltransferase 1; minus strand). Cytogenetic location: 2p16.1.
Variant type: single nucleotide variant.
Coding change: c.547C>T on transcript NM_033109.5 (MANE Select); coding-DNA position 547, C replaced by T.
Protein change: p.Pro183Ser; replaces proline 183 with serine.
Molecular consequence: missense variant.
Genome position (GRCh38, 1-based): chr2:55,680,730, G>A on the plus strand (C>T on the coding strand, the complement: PNPT1 is on the minus strand). VCF-style: chr2-55680730-G-A. GRCh37 (hg19) VCF-style: chr2-55907865-G-A.
Other names: short protein forms P183S.
Identifiers: ClinVar variation 2121062 (VCV002121062.4), dbSNP rs745631221, ClinGen allele CA1668419.